The following is an entry in ClinVar:

NM_001734.5(C1S):c.1666G>T (p.Asp556Tyr)

Gene: C1S (complement C1s; plus strand). Cytogenetic location: 12p13.31.
Variant type: single nucleotide variant.
Coding change: c.1666G>T on transcript NM_001734.5 (MANE Select); coding-DNA position 1666, G replaced by T.
Protein change: p.Asp556Tyr; replaces aspartic acid 556 with tyrosine.
Molecular consequence: missense variant.
Genome position (GRCh38, 1-based): chr12:7,070,250, G>T. VCF-style: chr12-7070250-G-T. GRCh37 (hg19) VCF-style: chr12-7177554-G-T.
Other names: c.1165G>T, p.Asp389Tyr (NM_001346850.2); c.1666G>T, p.Asp556Tyr (NM_201442.4); short protein forms D389Y, D556Y.
Identifiers: ClinVar variation 1480764 (VCV001480764.8), dbSNP rs781932595, ClinGen allele CA6423824.
Genomic context (GRCh38, chr12:7,070,250, plus strand): 5'-AAAGACCCAGTGAAAATGGGACCCACCGTCTCTCCCATCTGCCTACCAGGCACCTCTTCC[G>T]ACTACAACCTCATGGATGGGGACCTGGGACTGATCTCAGGCTGGGGCCGAACAGAGAAGA-3'
Protein context (NP_001725.1, residues 546-566): SPICLPGTSS[Asp556Tyr]YNLMDGDLGL

ClinVar aggregate classification (germline): Uncertain significance (1 of 4 stars; one submission).

gnomAD v4.1: 7 of 1,614,090 alleles (0.00043%); highest among the groups gnomAD compares: South Asian, 0.0077%; no homozygotes.

Submission:

Labcorp Genetics (formerly Invitae), Labcorp
Classification: Uncertain significance. Last evaluated: 2025-07-30. Review status: criteria provided, single submitter. Criteria: Invitae Variant Classification Sherloc (09022015). Collection method: clinical testing. Allele origin: germline.
Comment: This sequence change replaces aspartic acid, which is acidic and polar, with tyrosine, which is neutral and polar, at codon 556 of the C1S protein (p.Asp556Tyr). This variant is present in population databases (rs781932595, gnomAD 0.007%). This variant has not been reported in the literature in individuals affected with C1S-related conditions. ClinVar contains an entry for this variant (Variation ID: 1480764). Invitae Evidence Modeling of protein sequence and biophysical properties (such as structural, functional, and spatial information, amino acid conservation, physicochemical variation, residue mobility, and thermodynamic stability) indicates that this missense variant is not expected to disrupt C1S protein function with a negative predictive value of 80%. In summary, the available evidence is currently insufficient to determine the role of this variant in disease. Therefore, it has been classified as a Variant of Uncertain Significance.